The following is an entry in ClinVar:

NM_000548.5(TSC2):c.4524del (p.Phe1509fs)

Gene: TSC2 (TSC complex subunit 2; plus strand). Cytogenetic location: 16p13.3.
Variant type: Deletion.
Coding change: c.4524del on transcript NM_000548.5 (MANE Select); coding-DNA position 4524, one base deleted (C; older notation c.4524delC).
Protein change: p.Phe1509fs; shifts the reading frame from phenylalanine 1509.
Molecular consequence: frameshift variant.
Genome position (GRCh38, 1-based): chr16:2,084,981, C deleted; the last of 5 consecutive C bases (chr16:2,084,977-2,084,981); deleting any one gives the same sequence. VCF-style (leftmost placement, unchanged base first): chr16-2084976-TC-T. GRCh37 (hg19) VCF-style: chr16-2134977-TC-T.
Other names: c.4323del, p.Phe1442fs (NM_001077183.3); c.4455del, p.Phe1486fs (NM_001114382.3); c.4215del, p.Phe1406fs (NM_001318827.2); c.4179del, p.Phe1394fs (NM_001318829.2); c.3792del, p.Phe1265fs (NM_001318831.2); c.4356del, p.Phe1453fs (NM_001318832.2); c.4326del, p.Phe1443fs (NM_001363528.2); c.4392del, p.Phe1465fs (NM_001370404.1); and 1 more; short protein forms F1394fs, F1453fs, F1465fs, F1509fs, F1265fs, F1406fs, F1442fs, F1443fs.
Identifiers: ClinVar variation 581648 (VCV000581648.6), dbSNP rs1567526941, ClinGen allele CA891844197.

ClinVar aggregate classification (germline): Pathogenic (1 of 4 stars; one submission).

Conditions:
Tuberous sclerosis 2 (TSC2). Identifiers: Orphanet 805, MedGen C1860707, MONDO:0013199, OMIM 613254.

Submission:

Labcorp Genetics (formerly Invitae), Labcorp
Classification: Pathogenic for Tuberous sclerosis 2. Last evaluated: 2018-05-02. Review status: criteria provided, single submitter. Criteria: Invitae Variant Classification Sherloc (09022015). Collection method: clinical testing. Allele origin: germline.
Comment: For these reasons, this variant has been classified as Pathogenic. Loss-of-function variants in TSC2 are known to be pathogenic (PMID: 10205261, 17304050). This variant has not been reported in the literature in individuals with TSC2-related disease. This variant is not present in population databases (ExAC no frequency). This sequence change creates a premature translational stop signal (p.Phe1509Serfs*67) in the TSC2 gene. It is expected to result in an absent or disrupted protein product.

Literature cited by the submitters: PubMed 10205261; PubMed 17304050.